The following is an entry in ClinVar:

ClinVar aggregate classification (germline): Conflicting classifications of pathogenicity. Review status: criteria provided, conflicting classifications (1 of 4 stars). 8 submissions from 8 submitters: Likely pathogenic (5); Uncertain significance (3). Last evaluated 2026-06-17.

Conditions:
Primary hyperoxaluria, type I (HP1). Also called: OXALOSIS I; Primary hyperoxaluria type 1; GLYCOLIC ACIDURIA; HEPATIC AGT DEFICIENCY. Identifiers: Orphanet 416, Orphanet 93598, MedGen C0268164, MONDO:0009823, OMIM 259900. Disease mechanism: loss of function.

Allele frequency attached by ClinVar (database versions not stated): gnomAD exomes 0.00003 and 0.00004; ExAC 0.00004; gnomAD 0.00011; TOPMed 0.00019.
gnomAD v4.1: 59 of 1,611,740 alleles (0.0037%); highest among the groups gnomAD compares: Admixed American, 0.027%; no homozygotes.

Submissions (8):

Myriad Genetics, Inc.
Classification: Likely pathogenic for Primary hyperoxaluria, type I. Last evaluated: 2026-06-17. Review status: criteria provided, single submitter. Criteria: Myriad Autosomal Dominant, Autosomal Recessive and X-Linked Classification Criteria (2023). Collection method: clinical testing. Allele origin: unknown.
Comment: NM_000030.2(AGXT):c.949C>T(R317W) is a missense variant classified as likely pathogenic in the context of primary hyperoxaluria type 1. R317W has been observed in cases with relevant disease (PMID: 25644115, 29959618). Relevant functional assessments of this variant are available in the literature (PMID: 40683450). R317W has been observed in referenced population frequency databases. In summary, NM_000030.2(AGXT):c.949C>T(R317W) is a missense variant that has functional support for pathogenicity and has been observed more frequently in cases with the relevant disease than in healthy populations. Please note: this variant was assessed in the context of healthy population screening.

Labcorp Genetics (formerly Invitae), Labcorp
Classification: Likely pathogenic. Last evaluated: 2026-01-18. Review status: criteria provided, single submitter. Criteria: Invitae Variant Classification Sherloc (09022015). Collection method: clinical testing. Allele origin: germline.
Comment: This sequence change replaces arginine, which is basic and polar, with tryptophan, which is neutral and slightly polar, at codon 317 of the AGXT protein (p.Arg317Trp). This variant is present in population databases (rs774030578, gnomAD 0.006%). This missense change has been observed in individuals with primary hyperoxaluria (PMID: 25644115, 29959618). ClinVar contains an entry for this variant (Variation ID: 631851). Invitae Evidence Modeling of protein sequence and biophysical properties (such as structural, functional, and spatial information, amino acid conservation, physicochemical variation, residue mobility, and thermodynamic stability) indicates that this missense variant is expected to disrupt AGXT protein function with a positive predictive value of 80%. In summary, the currently available evidence indicates that the variant is pathogenic, but additional data are needed to prove that conclusively. Therefore, this variant has been classified as Likely Pathogenic.

Natera, Inc.
Classification: Likely pathogenic for Primary hyperoxaluria type I. Last evaluated: 2025-12-29. Review status: criteria provided, single submitter. Criteria: Natera Variant Classification Schema (03/2026). Collection method: clinical testing. Allele origin: germline.
Comment: The c.949C>T variant in AGXT is a missense variant predicted to cause substitution of arginine to tryptophan at amino acid 317. This variant is rare in the general population with a frequency below the threshold expected for the associated phenotype(s). This variant has been observed in one or more individuals affected with the associated recessive disease, as either homozygous or compound heterozygous with a second variant (PMID: 25644115, 29959618). Functional studies show that this variant may disrupt protein function (PMID: 40683450). Computational prediction algorithms indicate this variant is likely to affect gene or protein function. Given the available evidence, this variant is classified as Likely Pathogenic.

Women's Health and Genetics/Laboratory Corporation of America, LabCorp
Classification: Uncertain significance. Last evaluated: 2025-02-18. Review status: criteria provided, single submitter. Criteria: LabCorp Variant Classification Summary - May 2015. Collection method: clinical testing. Allele origin: germline.
Comment: Variant summary: AGXT c.949C>T (p.Arg317Trp) results in a non-conservative amino acid change in the encoded protein sequence. Five of five in-silico tools predict a damaging effect of the variant on protein function. The variant allele was found at a frequency of 3.6e-05 in 248632 control chromosomes (gnomAD). c.949C>T has been reported in the literature in individuals affected with Primary Hyperoxaluria Type 1 (Hopp_2015, Dieudonn_2018). These data indicate that the variant may be associated with disease. To our knowledge, no experimental evidence demonstrating an impact on protein function has been reported. The following publications have been ascertained in the context of this evaluation (PMID: 25644115, 29959618). ClinVar contains an entry for this variant (Variation ID: 631851). Based on the evidence outlined above, the variant was classified as VUS-possibly pathogenic.

Blueprint Genetics
Classification: Uncertain significance. Last evaluated: 2024-09-18. Review status: criteria provided, single submitter. Criteria: ACMG Guidelines, 2015. Collection method: clinical testing. Allele origin: germline.

Fulgent Genetics
Classification: Likely pathogenic for Primary hyperoxaluria, type I. Last evaluated: 2024-01-04. Review status: criteria provided, single submitter. Criteria: ACMG Guidelines, 2015. Collection method: clinical testing. Allele origin: germline.

GeneDx
Classification: Uncertain significance. Last evaluated: 2023-07-13. Review status: criteria provided, single submitter. Criteria: GeneDx Variant Classification Process June 2021. Collection method: clinical testing. Allele origin: germline. Affected: yes.
Comment: Observed with a second variant in unrelated patients in published literature, but it is not known whether the variants occurred on the same (in cis) or on different (in trans) chromosomes in all cases (Hopp et al., 2015; Dieudonne et al., 2018); Not observed at significant frequency in large population cohorts (gnomAD); In silico analysis supports that this missense variant has a deleterious effect on protein structure/function; In silico analysis suggests this variant may impact gene splicing. In the absence of RNA/functional studies, the actual effect of this sequence change is unknown.; This variant is associated with the following publications: (PMID: 25644115, 29959618)

Juno Genomics, Hangzhou Juno Genomics, Inc
Classification: Likely pathogenic for Primary hyperoxaluria, type I. Review status: criteria provided, single submitter. Criteria: ACMG Guidelines, 2015. Collection method: clinical testing. Allele origin: germline.
Comment: Absent from controls (or at extremely low frequency if recessive) in Genome Aggregation Database.;Multiple lines of computational evidence support a deleterious effect on the gene or gene product.;For recessive disorders, detected in trans with a pathogenic variant.;Patient's phenotype or family history is highly specific for a disease with a single genetic etiology.

Literature cited by the submitters: PubMed 25644115 (cited by 4 submitters); PubMed 29959618 (cited by 4 submitters); PubMed 40683450 (cited by Myriad Genetics, Inc. and Natera, Inc.).

NM_000030.3(AGXT):c.949C>T (p.Arg317Trp)

Gene: AGXT (alanine--glyoxylate aminotransferase; plus strand). Cytogenetic location: 2q37.3.
Variant type: single nucleotide variant.
Coding change: c.949C>T on transcript NM_000030.3 (MANE Select); coding-DNA position 949, C replaced by T.
Protein change: p.Arg317Trp; replaces arginine 317 with tryptophan.
Molecular consequence: missense variant.
Genome position (GRCh38, 1-based): chr2:240,878,028, C>T. VCF-style: chr2-240878028-C-T. GRCh37 (hg19) VCF-style: chr2-241817445-C-T.
Other names: short protein forms R317W.
Identifiers: ClinVar variation 631851 (VCV000631851.20), dbSNP rs774030578, ClinGen allele CA2209362.